The following is an entry in ClinVar:

ClinVar aggregate classification (germline): Uncertain significance (1 of 4 stars; one submission).

gnomAD v4.1: 1 of 1,614,072 alleles (0.000062%); highest among the groups gnomAD compares: Admixed American, 0.0017%; no homozygotes.

Submission:

Labcorp Genetics (formerly Invitae), Labcorp
Classification: Uncertain significance. Last evaluated: 2019-11-13. Review status: criteria provided, single submitter. Criteria: Invitae Variant Classification Sherloc (09022015). Collection method: clinical testing. Allele origin: germline.
Comment: This variant is present in population databases (rs144011185, ExAC 0.02%). This variant has not been reported in the literature in individuals with ADAMTS18-related conditions. Algorithms developed to predict the effect of missense changes on protein structure and function are either unavailable or do not agree on the potential impact of this missense change (SIFT: "Tolerated"; PolyPhen-2: "Probably Damaging"; Align-GVGD: "Class C0"). In summary, the available evidence is currently insufficient to determine the role of this variant in disease. Therefore, it has been classified as a Variant of Uncertain Significance. This sequence change replaces threonine with serine at codon 404 of the ADAMTS18 protein (p.Thr404Ser). The threonine residue is highly conserved and there is a small physicochemical difference between threonine and serine.

NM_199355.4(ADAMTS18):c.1211C>G (p.Thr404Ser)

Gene: ADAMTS18 (ADAM metallopeptidase with thrombospondin type 1 motif 18; minus strand). Cytogenetic location: 16q23.1.
Variant type: single nucleotide variant.
Coding change: c.1211C>G on transcript NM_199355.4 (MANE Select); coding-DNA position 1211, C replaced by G.
Protein change: p.Thr404Ser; replaces threonine 404 with serine.
Molecular consequence: missense variant.
Genome position (GRCh38, 1-based): chr16:77,362,110, G>C on the plus strand (C>G on the coding strand, the complement: ADAMTS18 is on the minus strand). VCF-style: chr16-77362110-G-C. GRCh37 (hg19) VCF-style: chr16-77396007-G-C.
Other names: c.695C>G, p.Thr232Ser (NM_001326358.2); short protein forms T232S, T404S.
Identifiers: ClinVar variation 959669 (VCV000959669.8), dbSNP rs144011185, ClinGen allele CA8181418.
Genomic context (GRCh38, chr16:77,362,110, plus strand): 5'-TCCATACTGTGTTTTCAGCTAACAGGTGTGTGTGAAGGATCTGTTCATACCATACCTAGA[G>C]TGTCACATGGTTCATTCTTCCAAGAACAAATATCAAATCCTGTTAGTAAGATGGCATGAT-3'
Protein context (NP_955387.1, residues 394-414): ICSWKNEPCD[Thr404Ser]LGFAPISGMC